The following is an entry in ClinVar:

ClinVar aggregate classification (germline): Likely benign. Review status: criteria provided, multiple submitters, no conflicts (2 of 4 stars). 2 submissions from 2 submitters: Likely benign (2). Last evaluated 2026-04-01.

Conditions:
Baraitser-Winter syndrome 1 (BRWS1). Also called: BARAITSER-WINTER SYNDROME 1, ATYPICAL; PACHYGYRIA, MENTAL RETARDATION, EPILEPSY, AND CHARACTERISTIC FACIES; MENTAL RETARDATION WITH EPILEPSY AND CHARACTERISTIC FACIES; Cerebrofrontofacial syndrome. Identifiers: Orphanet 2649, Orphanet 2995, MedGen C1855722, MONDO:0009470, OMIM 243310.

Allele frequency attached by ClinVar (database versions not stated): gnomAD 0.00001; gnomAD exomes 0.00001.
gnomAD v4.1: 23 of 1,613,794 alleles (0.0014%); highest among the groups gnomAD compares: Admixed American, 0.005%; no homozygotes.

Submissions (2):

CeGaT Center for Human Genetics Tuebingen
Classification: Likely benign. Last evaluated: 2026-04-01. Review status: criteria provided, single submitter. Criteria: CeGaT Center For Human Genetics Tuebingen Variant Classification Criteria Version 2. Collection method: clinical testing. Allele origin: germline. Affected: yes. Observed: 1 variant allele.
Comment: ACTB: BS2

Labcorp Genetics (formerly Invitae), Labcorp
Classification: Likely benign for Baraitser-Winter syndrome 1. Last evaluated: 2025-09-02. Review status: criteria provided, single submitter. Criteria: Invitae Variant Classification Sherloc (09022015). Collection method: clinical testing. Allele origin: germline.

NM_001101.5(ACTB):c.399C>T (p.Tyr133=)

Gene: ACTB (actin beta; minus strand). Cytogenetic location: 7p22.1.
Variant type: single nucleotide variant.
Coding change: c.399C>T on transcript NM_001101.5 (MANE Select); coding-DNA position 399, C replaced by T.
Protein change: p.Tyr133=; no amino-acid change (tyrosine 133 retained).
Molecular consequence: synonymous variant.
Genome position (GRCh38, 1-based): chr7:5,528,684, G>A on the plus strand (C>T on the coding strand, the complement: ACTB is on the minus strand). VCF-style: chr7-5528684-G-A. GRCh37 (hg19) VCF-style: chr7-5568315-G-A.
Identifiers: ClinVar variation 2150514 (VCV002150514.6), dbSNP rs1252004690, ClinGen allele CA453639311.